The following is an entry in ClinVar:

ClinVar aggregate classification (germline): Uncertain significance (1 of 4 stars; one submission).

Conditions:
Dilated cardiomyopathy 1J (CMD1J). Also called: CARDIOMYOPATHY, DILATED, WITH SENSORINEURAL HEARING LOSS, AUTOSOMAL DOMINANT. Identifiers: Orphanet 217622, MedGen C1854368, MONDO:0011541, OMIM 605362.

Submission:

Labcorp Genetics (formerly Invitae), Labcorp
Classification: Uncertain significance for Dilated cardiomyopathy 1J. Last evaluated: 2024-01-02. Review status: criteria provided, single submitter. Criteria: Invitae Variant Classification Sherloc (09022015). Collection method: clinical testing. Allele origin: germline.
Comment: This sequence change replaces alanine, which is neutral and non-polar, with glycine, which is neutral and non-polar, at codon 97 of the EYA4 protein (p.Ala97Gly). This variant is not present in population databases (gnomAD no frequency). This variant has not been reported in the literature in individuals affected with EYA4-related conditions. An algorithm developed to predict the effect of missense changes on protein structure and function (PolyPhen-2) suggests that this variant is likely to be tolerated. In summary, the available evidence is currently insufficient to determine the role of this variant in disease. Therefore, it has been classified as a Variant of Uncertain Significance.

NM_004100.5(EYA4):c.290C>G (p.Ala97Gly)

Genes: EYA4 (EYA transcriptional coactivator and phosphatase 4; plus strand), EYA4-AS2 (EYA4 antisense RNA 2; minus strand). Cytogenetic location: 6q23.2.
Variant type: single nucleotide variant.
Coding change: c.290C>G on transcript NM_004100.5 (MANE Select); coding-DNA position 290, C replaced by G.
Protein change: p.Ala97Gly; replaces alanine 97 with glycine.
Molecular consequence: missense variant. On other transcripts: intron variant (2).
Genome position (GRCh38, 1-based): chr6:133,456,568, C>G. VCF-style: chr6-133456568-C-G. GRCh37 (hg19) VCF-style: chr6-133777706-C-G.
Other names: c.290C>G, p.Ala97Gly (NM_001301013.2, NM_172105.4); c.221C>G, p.Ala74Gly (NM_001370458.1, NM_172103.4); c.209-4546C>G (NM_001370459.1, NM_001301012.2); short protein forms A97G, A74G.
Identifiers: ClinVar variation 2752022 (VCV002752022.3), dbSNP rs2534464956, ClinGen allele CA365694278.